The following is an entry in ClinVar:

NM_001130438.3(SPTAN1):c.4688T>C (p.Ile1563Thr)

Gene: SPTAN1 (spectrin alpha, non-erythrocytic 1; plus strand). Cytogenetic location: 9q34.11.
Variant type: single nucleotide variant.
Coding change: c.4688T>C on transcript NM_001130438.3 (MANE Select); coding-DNA position 4688, T replaced by C.
Protein change: p.Ile1563Thr; replaces isoleucine 1563 with threonine.
Molecular consequence: missense variant.
Genome position (GRCh38, 1-based): chr9:128,609,214, T>C. VCF-style: chr9-128609214-T-C. GRCh37 (hg19) VCF-style: chr9-131371493-T-C.
Other names: c.4628T>C, p.Ile1543Thr (NM_001195532.2, NM_001363765.2, NM_001375314.2 and 3 more transcripts); c.4688T>C, p.Ile1563Thr (NM_001363759.2, NM_001375310.1, NM_001375311.2 and 4 more transcripts); c.4724T>C, p.Ile1575Thr (NM_001375312.2, NM_001375318.1, NM_001438440.1); short protein forms I1543T, I1563T, I1575T.
Identifiers: ClinVar variation 4801853 (VCV004801853.1).

ClinVar aggregate classification (germline): Uncertain significance (1 of 4 stars; one submission).

Conditions:
Early-infantile DEE. Also called: Early infantile epileptic encephalopathy; Early infantile epileptic encephalopathy with suppression bursts; Ohtahara syndrome. Identifiers: Orphanet 1934, MedGen C0393706, MONDO:0800491.

Submission:

Labcorp Genetics (formerly Invitae), Labcorp
Classification: Uncertain significance for Early-infantile DEE. Last evaluated: 2025-05-14. Review status: criteria provided, single submitter. Criteria: Invitae Variant Classification Sherloc (09022015). Collection method: clinical testing. Allele origin: germline.
Comment: This sequence change replaces isoleucine, which is neutral and non-polar, with threonine, which is neutral and polar, at codon 1563 of the SPTAN1 protein (p.Ile1563Thr). This variant is not present in population databases (gnomAD no frequency). This variant has not been reported in the literature in individuals affected with SPTAN1-related conditions. Invitae Evidence Modeling of protein sequence and biophysical properties (such as structural, functional, and spatial information, amino acid conservation, physicochemical variation, residue mobility, and thermodynamic stability) has been performed for this missense variant. However, the output from this modeling did not meet the statistical confidence thresholds required to predict the impact of this variant on SPTAN1 protein function. In summary, the available evidence is currently insufficient to determine the role of this variant in disease. Therefore, it has been classified as a Variant of Uncertain Significance.